The following is an entry in ClinVar:

ClinVar aggregate classification (germline): Uncertain significance (1 of 4 stars; one submission).

Conditions:
MHC class II deficiency. Also called: BLS, TYPE II; Bare lymphocyte syndrome 2. Identifiers: Orphanet 572, MedGen C5447452, MONDO:0008855.

Allele frequency attached by ClinVar (database versions not stated): gnomAD exomes below 0.00001.
gnomAD v4.1: 1 of 1,613,520 alleles (0.000062%); highest among the groups gnomAD compares: Non-Finnish European, 0.000085%; no homozygotes.

Submission:

Labcorp Genetics (formerly Invitae), Labcorp
Classification: Uncertain significance for MHC class II deficiency. Last evaluated: 2022-07-19. Review status: criteria provided, single submitter. Criteria: Invitae Variant Classification Sherloc (09022015). Collection method: clinical testing. Allele origin: germline.
Comment: This sequence change replaces histidine, which is basic and polar, with asparagine, which is neutral and polar, at codon 590 of the CIITA protein (p.His590Asn). This variant is not present in population databases (gnomAD no frequency). This variant has not been reported in the literature in individuals affected with CIITA-related conditions. ClinVar contains an entry for this variant (Variation ID: 1053428). Algorithms developed to predict the effect of missense changes on protein structure and function (SIFT, PolyPhen-2, Align-GVGD) all suggest that this variant is likely to be tolerated. In summary, the available evidence is currently insufficient to determine the role of this variant in disease. Therefore, it has been classified as a Variant of Uncertain Significance.

NM_000246.4(CIITA):c.1768C>A (p.His590Asn)

Gene: CIITA (class II major histocompatibility complex transactivator; plus strand). Cytogenetic location: 16p13.13.
Variant type: single nucleotide variant.
Coding change: c.1768C>A on transcript NM_000246.4 (MANE Select); coding-DNA position 1768, C replaced by A.
Protein change: p.His590Asn; replaces histidine 590 with asparagine.
Molecular consequence: missense variant. On other transcripts: intron variant (1).
Genome position (GRCh38, 1-based): chr16:10,907,260, C>A. VCF-style: chr16-10907260-C-A. GRCh37 (hg19) VCF-style: chr16-11001117-C-A.
Other names: c.1771C>A, p.His591Asn (NM_001286402.1, NM_001379332.1); c.1624C>A, p.His542Asn (NM_001379330.1); c.1621C>A, p.His541Asn (NM_001379331.1); c.1768C>A, p.His590Asn (NM_001379333.1); c.1699C>A, p.His567Asn (NM_001379334.1); c.860-1723C>A (NM_001286403.2); short protein forms H541N, H542N, H567N, H590N, H591N.
Identifiers: ClinVar variation 1053428 (VCV001053428.4), dbSNP rs2039234162, ClinGen allele CA394731725.